The following is an entry in ClinVar:

NM_001385012.1(NBEA):c.4928-17A>G

Gene: NBEA (neurobeachin; plus strand). Cytogenetic location: 13q13.3.
Variant type: single nucleotide variant.
Coding change: c.4928-17A>G on transcript NM_001385012.1 (MANE Select); 17 bases into the intron before coding-DNA position 4928, A replaced by G.
Molecular consequence: intron variant.
Genome position (GRCh38, 1-based): chr13:35,195,847, A>G. VCF-style: chr13-35195847-A-G. GRCh37 (hg19) VCF-style: chr13-35769984-A-G.
Other names: c.4928-17A>G (NM_015678.5); c.4919-17A>G (NM_001379245.1).
Identifiers: ClinVar variation 2506026 (VCV002506026.1), dbSNP rs760447462, ClinGen allele CA6946991.

ClinVar aggregate classification (germline): Uncertain significance (1 of 4 stars; one submission).

Allele frequency attached by ClinVar (database versions not stated): gnomAD 0.00003; gnomAD exomes 0.00003; TOPMed 0.00003; ExAC 0.00010.
gnomAD v4.1: 52 of 1,544,256 alleles (0.0034%); highest among the groups gnomAD compares: South Asian, 0.058%; no homozygotes.

Submission:

Women's Health and Genetics/Laboratory Corporation of America, LabCorp
Classification: Uncertain significance. Last evaluated: 2023-05-09. Review status: criteria provided, single submitter. Criteria: LabCorp Variant Classification Summary - May 2015. Collection method: clinical testing. Allele origin: germline.
Comment: Variant summary: NBEA c.4928-17A>G alters a non-conserved nucleotide located close to a canonical splice site and therefore could affect mRNA splicing, leading to a significantly altered protein sequence. Several computational tools predict a significant impact on normal splicing: four predict the variant abolishes a cryptic 3' acceptor site and two predict the variant strengthens a 3' acceptor site. However, these predictions have yet to be confirmed by functional studies. The variant allele was found at a frequency of 8.1e-05 (i.e., 16 heterozygous carriers) in 196880 control chromosomes (gnomAD). The available data on variant occurrences in the general population are insufficient to allow any conclusion about variant significance. To our knowledge, no occurrence of c.4928-17A>G in individuals affected with Neurodevelopmental Disorder With Or Without Early-Onset Generalized Epilepsy and no experimental evidence demonstrating its impact on protein function have been reported. No clinical diagnostic laboratories have submitted clinical-significance assessments for this variant to ClinVar after 2014. Based on the evidence outlined above, the variant was classified as uncertain significance.